The following is an entry in ClinVar:

NM_001386140.1(MTTP):c.2275A>G (p.Ile759Val)

Gene: MTTP (microsomal triglyceride transfer protein; plus strand). Cytogenetic location: 4q23.
Variant type: single nucleotide variant.
Coding change: c.2275A>G on transcript NM_001386140.1 (MANE Select); coding-DNA position 2275, A replaced by G.
Protein change: p.Ile759Val; replaces isoleucine 759 with valine.
Molecular consequence: missense variant.
Genome position (GRCh38, 1-based): chr4:99,619,031, A>G. VCF-style: chr4-99619031-A-G. GRCh37 (hg19) VCF-style: chr4-100540188-A-G.
Other names: c.2275A>G, p.Ile759Val (NM_000253.4); c.2026A>G, p.Ile676Val (NM_001300785.2); short protein forms I676V, I759V.
Identifiers: ClinVar variation 1932247 (VCV001932247.2), dbSNP rs1301969830, ClinGen allele CA357518295.

ClinVar aggregate classification (germline): Uncertain significance (1 of 4 stars; one submission).

Allele frequency attached by ClinVar (database versions not stated): gnomAD exomes below 0.00001; gnomAD 0.00001; TOPMed 0.00003.
gnomAD v4.1: 7 of 1,613,554 alleles (0.00043%); highest among the groups gnomAD compares: Admixed American, 0.01%; no homozygotes.

Submission:

Labcorp Genetics (formerly Invitae), Labcorp
Classification: Uncertain significance. Last evaluated: 2022-06-23. Review status: criteria provided, single submitter. Criteria: Invitae Variant Classification Sherloc (09022015). Collection method: clinical testing. Allele origin: germline.
Comment: This sequence change replaces isoleucine, which is neutral and non-polar, with valine, which is neutral and non-polar, at codon 759 of the MTTP protein (p.Ile759Val). This variant is present in population databases (no rsID available, gnomAD 0.003%). This variant has not been reported in the literature in individuals affected with MTTP-related conditions. Algorithms developed to predict the effect of missense changes on protein structure and function (SIFT, PolyPhen-2, Align-GVGD) all suggest that this variant is likely to be tolerated. In summary, the available evidence is currently insufficient to determine the role of this variant in disease. Therefore, it has been classified as a Variant of Uncertain Significance.